The following is an entry in ClinVar:

ClinVar aggregate classification (germline): Benign/Likely benign. Review status: criteria provided, multiple submitters, no conflicts (2 of 4 stars). 5 submissions from 5 submitters: Benign (1); Likely benign (4). Last evaluated 2026-04-01.

Conditions:
Inborn genetic diseases. Identifiers: MedGen C0950123, MeSH D030342.
Episodic ataxia type 2 (EA2). Also called: ATAXIA, EPISODIC, WITH NYSTAGMUS; ATAXIA, FAMILIAL PAROXYSMAL; CEREBELLAR ATAXIA, PAROXYSMAL, ACETAZOLAMIDE-RESPONSIVE; CEREBELLOPATHY, HEREDITARY PAROXYSMAL; EPISODIC ATAXIA, NYSTAGMUS-ASSOCIATED; ACETAZOLAMIDE-RESPONSIVE HEREDITARY PAROXYSMAL CEREBELLAR ATAXIA. Identifiers: Orphanet 97, MedGen C1720416, MONDO:0007163, OMIM 108500.
Developmental and epileptic encephalopathy, 42 (DEE42A). Also called: Epileptic encephalopathy, early infantile, 42; DEVELOPMENTAL AND EPILEPTIC ENCEPHALOPATHY 42A; EPILEPTIC ENCEPHALOPATHY, EARLY INFANTILE, 42A. Identifiers: MedGen C4310716, MONDO:0014917, OMIM 617106.

Submissions (5):

CeGaT Center for Human Genetics Tuebingen
Classification: Likely benign. Last evaluated: 2026-04-01. Review status: criteria provided, single submitter. Criteria: CeGaT Center For Human Genetics Tuebingen Variant Classification Criteria Version 2. Collection method: clinical testing. Allele origin: germline. Affected: yes. Observed: 4 variant alleles.
Comment: CACNA1A: PM4, BS1

Labcorp Genetics (formerly Invitae), Labcorp
Classification: Likely benign for Developmental and epileptic encephalopathy, 42; Episodic ataxia type 2. Last evaluated: 2026-01-15. Review status: criteria provided, single submitter. Criteria: Invitae Variant Classification Sherloc (09022015). Collection method: clinical testing. Allele origin: germline.

Blueprint Genetics
Classification: Likely benign. Last evaluated: 2024-11-26. Review status: criteria provided, single submitter. Criteria: ACMG Guidelines, 2015. Collection method: clinical testing. Allele origin: germline.

GeneDx
Classification: Benign. Last evaluated: 2020-12-14. Review status: criteria provided, single submitter. Criteria: GeneDx Variant Classification Process June 2021. Collection method: clinical testing. Allele origin: germline. Affected: yes.
Comment: This variant is associated with the following publications: (PMID: 23103419, 29062094)

Ambry Genetics
Classification: Likely benign for Inborn genetic diseases. Last evaluated: 2018-06-22. Review status: criteria provided, single submitter. Criteria: Ambry Variant Classification Scheme 2023. Collection method: clinical testing. Allele origin: germline.

Literature cited by the submitters: PubMed 23103419 (cited by Ambry Genetics).

NM_001127222.2(CACNA1A):c.6587_6598del (p.Asp2196_Arg2199del)

Gene: CACNA1A (calcium voltage-gated channel subunit alpha1 A; minus strand). Cytogenetic location: 19p13.13.
Variant type: Deletion.
Coding change: c.6587_6598del on transcript NM_001127222.2 (MANE Select); coding-DNA positions 6587 to 6598, 12 bases deleted (ACCAGGAGCGGG).
Protein change: p.Asp2196_Arg2199del.
Molecular consequence: inframe deletion.
Genome position (GRCh38, 1-based): chr19:13,208,938-13,208,949, CCCGCTCCTGGT deleted on the plus strand (ACCAGGAGCGGG on the coding strand, the reverse complement: CACNA1A is on the minus strand); deleting any 12 consecutive bases within chr19:13,208,938-13,208,958 gives the same sequence; the c. name uses the placement nearest the transcript's 3' end. VCF-style (leftmost placement, unchanged base first): chr19-13208937-CCCCGCTCCTGGT-C. GRCh37 (hg19) VCF-style: chr19-13319751-CCCCGCTCCTGGT-C.
Other names: c.6590_6601delACCAGGAGCGGG (NM_001127221.1); c.6605_6616del, p.Asp2202_Arg2205del (NM_000068.4, NM_023035.3); c.6590_6601del, p.Asp2197_Arg2200del (NM_001127221.2); c.6596_6607del, p.Asp2199_Arg2202del (NM_001174080.2).
Identifiers: ClinVar variation 420054 (VCV000420054.44), dbSNP rs763941704, ClinGen allele CA9239324.